The following is an entry in ClinVar:

ClinVar aggregate classification (germline): Pathogenic/Likely pathogenic. Review status: criteria provided, multiple submitters, no conflicts (2 of 4 stars). 2 submissions from 2 submitters: Pathogenic (1); Likely pathogenic (1). Last evaluated 2025-06-27.

Allele frequency attached by ClinVar (database versions not stated): TOPMed 0.00001; gnomAD 0.00001.
gnomAD v4.1: 2 of 1,613,562 alleles (0.00012%); highest among the groups gnomAD compares: African/African-American, 0.0013%; no homozygotes.

Submissions (2):

Labcorp Genetics (formerly Invitae), Labcorp
Classification: Pathogenic. Last evaluated: 2025-06-27. Review status: criteria provided, single submitter. Criteria: Invitae Variant Classification Sherloc (09022015). Collection method: clinical testing. Allele origin: germline.
Comment: This sequence change creates a premature translational stop signal (p.Trp194*) in the TMC1 gene. It is expected to result in an absent or disrupted protein product. Loss-of-function variants in TMC1 are known to be pathogenic (PMID: 11850618, 22105175). This variant is not present in population databases (gnomAD no frequency). This premature translational stop signal has been observed in individual(s) with clinical features of autosomal recessive TMC1-related conditions (PMID: 21117948). ClinVar contains an entry for this variant (Variation ID: 620146). Algorithms developed to predict the effect of sequence changes on RNA splicing suggest that this variant may disrupt the consensus splice site. For these reasons, this variant has been classified as Pathogenic.

GeneDx
Classification: Likely pathogenic. Last evaluated: 2019-09-27. Review status: criteria provided, single submitter. Criteria: GeneDx Variant Classification Process June 2021. Collection method: clinical testing. Allele origin: germline. Affected: yes.
Comment: Observed in a single family in association with hearing loss (Duman et al., 2011); Nonsense variant predicted to result in protein truncation or nonsense mediated decay in a gene for which loss-of-function is a known mechanism of disease; Not observed in large population cohorts (Lek et al., 2016); This variant is associated with the following publications: (PMID: 25525159, 21117948, 31176026)

Literature cited by the submitters: PubMed 11850618 (cited by Labcorp Genetics (formerly Invitae), Labcorp); PubMed 22105175 (cited by Labcorp Genetics (formerly Invitae), Labcorp); PubMed 21117948 (cited by Labcorp Genetics (formerly Invitae), Labcorp).

NM_138691.3(TMC1):c.582G>A (p.Trp194Ter)

Gene: TMC1 (transmembrane channel like 1; plus strand). Cytogenetic location: 9q21.13.
Variant type: single nucleotide variant.
Coding change: c.582G>A on transcript NM_138691.3 (MANE Select); coding-DNA position 582, G replaced by A.
Protein change: p.Trp194Ter; replaces tryptophan 194 with a stop codon.
Molecular consequence: nonsense.
Genome position (GRCh38, 1-based): chr9:72,751,896, G>A. VCF-style: chr9-72751896-G-A. GRCh37 (hg19) VCF-style: chr9-75366812-G-A.
Other names: short protein forms W194*.
Identifiers: ClinVar variation 620146 (VCV000620146.6), dbSNP rs1172357346, ClinGen allele CA373497671.